The following is an entry in ClinVar:

ClinVar aggregate classification (germline): Uncertain significance. Review status: criteria provided, multiple submitters, no conflicts (2 of 4 stars). 2 submissions from 2 submitters: Uncertain significance (2). Last evaluated 2026-07-01.

Conditions:
Neutropenia, severe congenital, 1, autosomal dominant. Identifiers: MedGen C1859966, MONDO:0042490, OMIM 202700.
Cyclical neutropenia. Also called: Cyclic hematopoiesis; Cyclic Neutropenia. Identifiers: Orphanet 2686, MedGen C0221023, MONDO:0008090, OMIM 162800, HP:0040289. Disease mechanism: loss of function.

gnomAD v4.1: 15 of 1,610,712 alleles (0.00093%); highest among the groups gnomAD compares: Non-Finnish European, 0.0013%; no homozygotes.

Submissions (2):

CeGaT Center for Human Genetics Tuebingen
Classification: Uncertain significance. Last evaluated: 2026-07-01. Review status: criteria provided, single submitter. Criteria: CeGaT Center For Human Genetics Tuebingen Variant Classification Criteria Version 2. Collection method: clinical testing. Allele origin: germline. Affected: yes. Observed: 1 variant allele.
Comment: ELANE: PP3

Labcorp Genetics (formerly Invitae), Labcorp
Classification: Uncertain significance for Neutropenia, severe congenital, 1, autosomal dominant; Cyclical neutropenia. Last evaluated: 2025-08-12. Review status: criteria provided, single submitter. Criteria: Invitae Variant Classification Sherloc (09022015). Collection method: clinical testing. Allele origin: germline.
Comment: This sequence change falls in intron 1 of the ELANE gene. It does not directly change the encoded amino acid sequence of the ELANE protein. It affects a nucleotide within the consensus splice site. This variant is not present in population databases (gnomAD no frequency). This variant has not been reported in the literature in individuals affected with ELANE-related conditions. Variants that disrupt the consensus splice site are a relatively common cause of aberrant splicing (PMID: 17576681, 9536098). Algorithms developed to predict the effect of sequence changes on RNA splicing suggest that this variant may disrupt the consensus splice site. In summary, the available evidence is currently insufficient to determine the role of this variant in disease. Therefore, it has been classified as a Variant of Uncertain Significance.

Literature cited by the submitters: PubMed 17576681 (cited by Labcorp Genetics (formerly Invitae), Labcorp); PubMed 9536098 (cited by Labcorp Genetics (formerly Invitae), Labcorp).

NM_001972.4(ELANE):c.67+5G>A

Gene: ELANE (elastase, neutrophil expressed; plus strand). Cytogenetic location: 19p13.3.
Variant type: single nucleotide variant.
Coding change: c.67+5G>A on transcript NM_001972.4 (MANE Select); 5 bases into the intron after coding-DNA position 67, G replaced by A.
Molecular consequence: intron variant.
Genome position (GRCh38, 1-based): chr19:852,400, G>A. VCF-style: chr19-852400-G-A. GRCh37 (hg19) VCF-style: chr19-852400-G-A.
Identifiers: ClinVar variation 4793861 (VCV004793861.2).
Genomic context (GRCh38, chr19:852,400, plus strand): 5'-CCGCCGACTCGCGTGTCTTTTCCTCGCCTGTGTCCTGCCGGCCTTGCTGCTGGGGGGTGA[G>A]TTTTTGAGTCCAACCTCCCGCTGCTCCCTCTGTCCCGGGTTCTGTTCCCACCTCTCCATA-3'